The following is an entry in ClinVar:

ClinVar aggregate classification (germline): Uncertain significance (1 of 4 stars; one submission).

Conditions:
Immunodeficiency 104. Also called: SCID, AUTOSOMAL RECESSIVE, T CELL-NEGATIVE, B CELL-POSITIVE, NK CELL-POSITIVE; Severe combined immunodeficiency, autosomal recessive, T cell-negative, B cell-positive, NK cell-positive; IMMUNODEFICIENCY 104, SEVERE COMBINED; Severe Combined Immune Deficiency, Autosomal Recessive, TCell -Negative, B Cell-Positive, NK Cell-Positive, IL7R-Related. Identifiers: MedGen C5676890, MONDO:0012163, OMIM 608971.

Submission:

Labcorp Genetics (formerly Invitae), Labcorp
Classification: Uncertain significance for Immunodeficiency 104. Last evaluated: 2021-09-01. Review status: criteria provided, single submitter. Criteria: Invitae Variant Classification Sherloc (09022015). Collection method: clinical testing. Allele origin: germline.
Comment: This sequence change replaces aspartic acid with histidine at codon 238 of the PTPRC protein (p.Asp238His). The aspartic acid residue is weakly conserved and there is a moderate physicochemical difference between aspartic acid and histidine. This variant is not present in population databases (ExAC no frequency). This variant has not been reported in the literature in individuals affected with PTPRC-related conditions. Algorithms developed to predict the effect of missense changes on protein structure and function output the following: SIFT: "Tolerated"; PolyPhen-2: "Benign"; Align-GVGD: "Class C0". The histidine amino acid residue is found in multiple mammalian species, which suggests that this missense change does not adversely affect protein function. In summary, the available evidence is currently insufficient to determine the role of this variant in disease. Therefore, it has been classified as a Variant of Uncertain Significance.

NM_002838.5(PTPRC):c.712G>C (p.Asp238His)

Gene: PTPRC (protein tyrosine phosphatase receptor type C; plus strand). Cytogenetic location: 1q32.1.
Variant type: single nucleotide variant.
Coding change: c.712G>C on transcript NM_002838.5 (MANE Select); coding-DNA position 712, G replaced by C.
Protein change: p.Asp238His; replaces aspartic acid 238 with histidine.
Molecular consequence: missense variant.
Genome position (GRCh38, 1-based): chr1:198,706,760, G>C. VCF-style: chr1-198706760-G-C. GRCh37 (hg19) VCF-style: chr1-198675889-G-C.
Other names: c.229G>C, p.Asp77His (NM_080921.4); short protein forms D238H, D77H.
Identifiers: ClinVar variation 646036 (VCV000646036.6), dbSNP rs1571855329, ClinGen allele CA344033038.